The following is an entry in ClinVar:

NM_022455.5(NSD1):c.2068G>A (p.Ala690Thr)

Gene: NSD1 (nuclear receptor binding SET domain protein 1; plus strand). Cytogenetic location: 5q35.3.
Variant type: single nucleotide variant.
Coding change: c.2068G>A on transcript NM_022455.5 (MANE Select); coding-DNA position 2068, G replaced by A.
Protein change: p.Ala690Thr; replaces alanine 690 with threonine.
Molecular consequence: missense variant.
Genome position (GRCh38, 1-based): chr5:177,210,467, G>A. VCF-style: chr5-177210467-G-A. GRCh37 (hg19) VCF-style: chr5-176637468-G-A.
Other names: c.1195G>A, p.Ala399Thr (NM_001365684.2, NM_001409306.1, NM_001409307.1 and 3 more transcripts); c.2068G>A, p.Ala690Thr (NM_001409301.1, NM_001409302.1, NM_001409303.1); c.1648G>A, p.Ala550Thr (NM_001409304.1); c.1315G>A, p.Ala439Thr (NM_001409305.1); short protein forms A550T, A399T, A439T, A690T.
Identifiers: ClinVar variation 3692611 (VCV003692611.2).
Genomic context (GRCh38, chr5:177,210,467, plus strand): 5'-GATAGAACAGAGAACATGTTATCTATGCAGAAAAATGAAAAGATAAAGTATTCTAGGTTT[G>A]CTGCCACAAACACTAGGGTAAAAGCAAAACAGAAGCCTCTCATTAGTAACTCACATACAG-3'
Protein context (NP_071900.2, residues 680-700): KNEKIKYSRF[Ala690Thr]ATNTRVKAKQ

ClinVar aggregate classification (germline): Uncertain significance (1 of 4 stars; one submission).

Submission:

Labcorp Genetics (formerly Invitae), Labcorp
Classification: Uncertain significance. Last evaluated: 2023-03-27. Review status: criteria provided, single submitter. Criteria: Invitae Variant Classification Sherloc (09022015). Collection method: clinical testing. Allele origin: germline.
Comment: This variant has not been reported in the literature in individuals affected with NSD1-related conditions. This variant is not present in population databases (gnomAD no frequency). This sequence change replaces alanine, which is neutral and non-polar, with threonine, which is neutral and polar, at codon 690 of the NSD1 protein (p.Ala690Thr). Advanced modeling of protein sequence and biophysical properties (such as structural, functional, and spatial information, amino acid conservation, physicochemical variation, residue mobility, and thermodynamic stability) performed at Invitae indicates that this missense variant is not expected to disrupt NSD1 protein function. In summary, the available evidence is currently insufficient to determine the role of this variant in disease. Therefore, it has been classified as a Variant of Uncertain Significance.